The following is an entry in ClinVar:

NM_004333.6(BRAF):c.1442C>T (p.Ala481Val)

Gene: BRAF (B-Raf proto-oncogene, serine/threonine kinase; minus strand). Cytogenetic location: 7q34.
Variant type: single nucleotide variant.
Coding change: c.1442C>T on transcript NM_004333.6 (MANE Select); coding-DNA position 1442, C replaced by T.
Protein change: p.Ala481Val; replaces alanine 481 with valine.
Molecular consequence: missense variant.
Genome position (GRCh38, 1-based): chr7:140,778,066, G>A on the plus strand (C>T on the coding strand, the complement: BRAF is on the minus strand). VCF-style: chr7-140778066-G-A. GRCh37 (hg19) VCF-style: chr7-140477866-G-A.
Other names: c.1286C>T, p.Ala429Val (NM_001378473.1, NM_001378472.1); c.1442C>T, p.Ala481Val (NM_001378474.1, NM_001378468.1, NM_001354609.2); c.1178C>T, p.Ala393Val (NM_001378475.1); c.1562C>T, p.Ala521Val (NM_001374258.1, NM_001374244.1); c.1451C>T, p.Ala484Val (NM_001378467.1); c.1376C>T, p.Ala459Val (NM_001378469.1); c.1340C>T, p.Ala447Val (NM_001378470.1); c.1331C>T, p.Ala444Val (NM_001378471.1); short protein forms A393V, A429V, A444V, A447V, A459V, A481V, A484V, A521V.
Identifiers: ClinVar variation 4888037 (VCV004888037.1).

ClinVar aggregate classification (germline): Uncertain significance (1 of 4 stars; one submission).

Submission:

GeneDx
Classification: Uncertain significance. Last evaluated: 2026-01-29. Review status: criteria provided, single submitter. Criteria: GeneDx Variant Classification Process June 2021. Collection method: clinical testing. Allele origin: germline.
Comment: Not observed at significant frequency in large population cohorts (gnomAD); In silico analysis supports that this missense variant has a deleterious effect on protein structure/function; Missense variants in this gene are a common cause of disease and they are underrepresented in the general population; Has not been previously published as pathogenic or benign to our knowledge; This variant is associated with the following publications: (PMID: 29493581)